The following is an entry in ClinVar:

NM_000038.6(APC):c.1739A>G (p.Lys580Arg)

Gene: APC (APC regulator of Wnt signaling pathway; plus strand). Cytogenetic location: 5q22.2.
Variant type: single nucleotide variant.
Coding change: c.1739A>G on transcript NM_000038.6 (MANE Select); coding-DNA position 1739, A replaced by G.
Protein change: p.Lys580Arg; replaces lysine 580 with arginine.
Molecular consequence: missense variant.
Genome position (GRCh38, 1-based): chr5:112,828,968, A>G. VCF-style: chr5-112828968-A-G. GRCh37 (hg19) VCF-style: chr5-112164665-A-G.
Other names: c.1739A>G, p.Lys580Arg (NM_001127510.3, NM_001354895.2); c.1685A>G, p.Lys562Arg (NM_001127511.3); c.1793A>G, p.Lys598Arg (NM_001354896.2); c.1769A>G, p.Lys590Arg (NM_001354897.2); c.1664A>G, p.Lys555Arg (NM_001354898.2); c.1655A>G, p.Lys552Arg (NM_001354899.2); c.1616A>G, p.Lys539Arg (NM_001354900.2); c.1562A>G, p.Lys521Arg (NM_001354901.2); and 5 more; short protein forms K562R, K580R, K454R, K521R, K590R, K297R, K420R, K539R.
Identifiers: ClinVar variation 580267 (VCV000580267.10), dbSNP rs1561557943, ClinGen allele CA16025114.

ClinVar aggregate classification (germline): Uncertain significance (1 of 4 stars; one submission).

Conditions:
Familial adenomatous polyposis 1 (FAP1). Also called: FAMILIAL ADENOMATOUS POLYPOSIS 1, ATTENUATED; POLYPOSIS, ADENOMATOUS INTESTINAL. Identifiers: MedGen C2713442, MONDO:0021056, OMIM 175100. Disease mechanism: loss of function.

Submission:

Labcorp Genetics (formerly Invitae), Labcorp
Classification: Uncertain significance for Familial adenomatous polyposis 1. Last evaluated: 2018-04-18. Review status: criteria provided, single submitter. Criteria: Invitae Variant Classification Sherloc (09022015). Collection method: clinical testing. Allele origin: germline.
Comment: This sequence change replaces lysine with arginine at codon 580 of the APC protein (p.Lys580Arg). The lysine residue is highly conserved and there is a small physicochemical difference between lysine and arginine. This variant is not present in population databases (ExAC no frequency). This variant has not been reported in the literature in individuals with APC-related disease. Algorithms developed to predict the effect of missense changes on protein structure and function (SIFT, PolyPhen-2, Align-GVGD) all suggest that this variant is likely to be tolerated, but these predictions have not been confirmed by published functional studies and their clinical significance is uncertain. In summary, the available evidence is currently insufficient to determine the role of this variant in disease. Therefore, it has been classified as a Variant of Uncertain Significance.